The following is an entry in ClinVar:

NM_020921.4(NIN):c.2935G>A (p.Glu979Lys)

Gene: NIN (ninein; minus strand). Cytogenetic location: 14q22.1.
Variant type: single nucleotide variant.
Coding change: c.2935G>A on transcript NM_020921.4 (MANE Select); coding-DNA position 2935, G replaced by A.
Protein change: p.Glu979Lys; replaces glutamic acid 979 with lysine.
Molecular consequence: missense variant. On other transcripts: intron variant (1).
Genome position (GRCh38, 1-based): chr14:50,758,095, C>T on the plus strand (G>A on the coding strand, the complement: NIN is on the minus strand). VCF-style: chr14-50758095-C-T. GRCh37 (hg19) VCF-style: chr14-51224813-C-T.
Other names: c.2935G>A, p.Glu979Lys (NM_182944.3, NM_182946.2); c.2399+1762G>A (NM_016350.5); short protein forms E979K.
Identifiers: ClinVar variation 3612186 (VCV003612186.2).
Genomic context (GRCh38, chr14:50,758,095, plus strand): 5'-CACAGGTCGCTTTGTGAATGTTCTCCATGGCTAGAAGCTTGGACATCATTTCCTGCCTTT[C>T]CTGGTCATGTTCCATTTCTAGTCTTTCCAGCCGCTGGCTGGCCAGCTGCTCCGAAGCCCC-3'
Protein context (NP_065972.4, residues 969-989): LERLEMEHDQ[Glu979Lys]RQEMMSKLLA

ClinVar aggregate classification (germline): Uncertain significance (1 of 4 stars; one submission).

gnomAD v4.1: 16 of 1,614,060 alleles (0.00099%); highest among the groups gnomAD compares: Admixed American, 0.02%; no homozygotes.

Submission:

Labcorp Genetics (formerly Invitae), Labcorp
Classification: Uncertain significance. Last evaluated: 2024-11-29. Review status: criteria provided, single submitter. Criteria: Invitae Variant Classification Sherloc (09022015). Collection method: clinical testing. Allele origin: germline.
Comment: This sequence change replaces glutamic acid, which is acidic and polar, with lysine, which is basic and polar, at codon 979 of the NIN protein (p.Glu979Lys). This variant is present in population databases (rs765922869, gnomAD 0.01%). This variant has not been reported in the literature in individuals affected with NIN-related conditions. An algorithm developed to predict the effect of missense changes on protein structure and function (PolyPhen-2) suggests that this variant is likely to be disruptive. In summary, the available evidence is currently insufficient to determine the role of this variant in disease. Therefore, it has been classified as a Variant of Uncertain Significance.